The following is an entry in ClinVar:

NM_000535.7(PMS2):c.1941G>C (p.Lys647Asn)

Gene: PMS2 (PMS1 homolog 2, mismatch repair system component; minus strand). Cytogenetic location: 7p22.1.
Variant type: single nucleotide variant.
Coding change: c.1941G>C on transcript NM_000535.7 (MANE Select); coding-DNA position 1941, G replaced by C.
Protein change: p.Lys647Asn; replaces lysine 647 with asparagine.
Molecular consequence: missense variant. On other transcripts: non-coding transcript variant (1).
Genome position (GRCh38, 1-based): chr7:5,986,824, C>G on the plus strand (G>C on the coding strand, the complement: PMS2 is on the minus strand). VCF-style: chr7-5986824-C-G. GRCh37 (hg19) VCF-style: chr7-6026455-C-G.
Other names: c.1536G>C, p.Lys512Asn (NM_001322003.2, NM_001322004.2, NM_001322005.2 and 1 more transcripts); c.1785G>C, p.Lys595Asn (NM_001322006.2); c.1623G>C, p.Lys541Asn (NM_001322007.2, NM_001322008.2); c.1380G>C, p.Lys460Asn (NM_001322010.2); c.1008G>C, p.Lys336Asn (NM_001322011.2, NM_001322012.2); c.1368G>C, p.Lys456Asn (NM_001322013.2); c.1941G>C, p.Lys647Asn (NM_001322014.2); c.1632G>C, p.Lys544Asn (NM_001322015.2); short protein forms K541N, K544N, K647N, K336N, K512N, K456N, K595N, K460N.
Identifiers: ClinVar variation 1422806 (VCV001422806.8), dbSNP rs2128720886, ClinGen allele CA366739144.

ClinVar aggregate classification (germline): Uncertain significance (1 of 4 stars; one submission).

Conditions:
Hereditary nonpolyposis colorectal neoplasms. Identifiers: MedGen C0009405, MeSH D003123.

Submission:

Labcorp Genetics (formerly Invitae), Labcorp
Classification: Uncertain significance for Hereditary nonpolyposis colorectal neoplasms. Last evaluated: 2021-04-21. Review status: criteria provided, single submitter. Criteria: Invitae Variant Classification Sherloc (09022015). Collection method: clinical testing. Allele origin: germline.
Comment: In summary, the available evidence is currently insufficient to determine the role of this variant in disease. Therefore, it has been classified as a Variant of Uncertain Significance. This sequence change replaces lysine with asparagine at codon 647 of the PMS2 protein (p.Lys647Asn). The lysine residue is weakly conserved and there is a moderate physicochemical difference between lysine and asparagine. This variant is not present in population databases (ExAC no frequency). This variant has not been reported in the literature in individuals with PMS2-related conditions. Advanced modeling of protein sequence and biophysical properties (such as structural, functional, and spatial information, amino acid conservation, physicochemical variation, residue mobility, and thermodynamic stability) performed at Invitae indicates that this missense variant is not expected to disrupt PMS2 protein function.